The following is an entry in ClinVar:

ClinVar aggregate classification (germline): Uncertain significance. Review status: criteria provided, multiple submitters, no conflicts (2 of 4 stars). 2 submissions from 2 submitters: Uncertain significance (2). Last evaluated 2023-08-30.

Conditions:
Inborn genetic diseases. Identifiers: MedGen C0950123, MeSH D030342.

Allele frequency attached by ClinVar (database versions not stated): ExAC 0.00002; TOPMed 0.00003.
gnomAD v4.1: 28 of 1,614,024 alleles (0.0017%); highest among the groups gnomAD compares: Admixed American, 0.015%; no homozygotes.

Submissions (2):

Labcorp Genetics (formerly Invitae), Labcorp
Classification: Uncertain significance. Last evaluated: 2023-08-30. Review status: criteria provided, single submitter. Criteria: Invitae Variant Classification Sherloc (09022015). Collection method: clinical testing. Allele origin: germline.
Comment: This sequence change replaces valine, which is neutral and non-polar, with phenylalanine, which is neutral and non-polar, at codon 2080 of the VCAN protein (p.Val2080Phe). This variant is present in population databases (rs764734647, gnomAD 0.02%). This variant has not been reported in the literature in individuals affected with VCAN-related conditions. ClinVar contains an entry for this variant (Variation ID: 1060524). An algorithm developed to predict the effect of missense changes on protein structure and function (PolyPhen-2) suggests that this variant is likely to be disruptive. In summary, the available evidence is currently insufficient to determine the role of this variant in disease. Therefore, it has been classified as a Variant of Uncertain Significance.

Ambry Genetics
Classification: Uncertain significance for Inborn genetic diseases. Last evaluated: 2021-10-29. Review status: criteria provided, single submitter. Criteria: Ambry Variant Classification Scheme 2023. Collection method: clinical testing. Allele origin: germline.

NM_004385.5(VCAN):c.6238G>T (p.Val2080Phe)

Genes: VCAN (versican; plus strand), VCAN-AS1 (VCAN antisense RNA 1; minus strand). Cytogenetic location: 5q14.3.
Variant type: single nucleotide variant.
Coding change: c.6238G>T on transcript NM_004385.5 (MANE Select); coding-DNA position 6238, G replaced by T.
Protein change: p.Val2080Phe; replaces valine 2080 with phenylalanine.
Molecular consequence: missense variant. On other transcripts: intron variant (2).
Genome position (GRCh38, 1-based): chr5:83,539,241, G>T. VCF-style: chr5-83539241-G-T. GRCh37 (hg19) VCF-style: chr5-82835060-G-T.
Other names: c.3277G>T, p.Val1093Phe (NM_001164097.2); c.4004-6296G>T (NM_001164098.2); c.1043-6296G>T (NM_001126336.3); c.6238G>T (NM_004385.4); short protein forms V1093F, V2080F.
Identifiers: ClinVar variation 1060524 (VCV001060524.10), dbSNP rs764734647, ClinGen allele CA3333461.